The following is an entry in ClinVar:

NM_001111.5(ADAR):c.487G>T (p.Gly163Trp)

Gene: ADAR (adenosine deaminase RNA specific; minus strand). Cytogenetic location: 1q21.3.
Variant type: single nucleotide variant.
Coding change: c.487G>T on transcript NM_001111.5 (MANE Select); coding-DNA position 487, G replaced by T.
Protein change: p.Gly163Trp; replaces glycine 163 with tryptophan.
Molecular consequence: missense variant. On other transcripts: 5 prime UTR variant (6).
Genome position (GRCh38, 1-based): chr1:154,602,155, C>A on the plus strand (G>T on the coding strand, the complement: ADAR is on the minus strand). VCF-style: chr1-154602155-C-A. GRCh37 (hg19) VCF-style: chr1-154574631-C-A.
Other names: c.-399G>T (NM_001025107.3, NM_001193495.2, NM_001365046.1 and 3 more transcripts); c.514G>T, p.Gly172Trp (NM_001365045.1); c.487G>T, p.Gly163Trp (NM_015840.4, NM_015841.4); short protein forms G163W, G172W.
Identifiers: ClinVar variation 1402797 (VCV001402797.8), dbSNP rs762094056, ClinGen allele CA1131696.

ClinVar aggregate classification (germline): Uncertain significance (1 of 4 stars; one submission).

Conditions:
Aicardi-Goutieres syndrome 6 (AGS6). Identifiers: Orphanet 51, MedGen C3539013, MONDO:0014007, OMIM 615010.
Symmetrical dyschromatosis of extremities (DSH). Also called: DYSCHROMATOSIS SYMMETRICA HEREDITARIA 1; RETICULATE ACROPIGMENTATION OF DOHI; SYMMETRIC DYSCHROMATOSIS OF THE EXTREMITIES; Dyschromatosis symmetrica hereditaria. Identifiers: Orphanet 41, MedGen C0406775, MONDO:0007483, OMIM 127400.

gnomAD v4.1: 6 of 1,614,230 alleles (0.00037%); highest among the groups gnomAD compares: Non-Finnish European, 0.00051%; no homozygotes.

Submission:

Labcorp Genetics (formerly Invitae), Labcorp
Classification: Uncertain significance for Aicardi-Goutieres syndrome 6; Symmetrical dyschromatosis of extremities. Last evaluated: 2021-08-07. Review status: criteria provided, single submitter. Criteria: Invitae Variant Classification Sherloc (09022015). Collection method: clinical testing. Allele origin: germline.
Comment: This sequence change replaces glycine with tryptophan at codon 163 of the ADAR protein (p.Gly163Trp). The glycine residue is weakly conserved and there is a large physicochemical difference between glycine and tryptophan. This variant is present in population databases (rs762094056, ExAC 0.001%). This variant has not been reported in the literature in individuals with ADAR-related conditions. Algorithms developed to predict the effect of missense changes on protein structure and function output the following: SIFT: "Tolerated"; PolyPhen-2: "Benign"; Align-GVGD: "Class C0". The tryptophan amino acid residue is found in multiple mammalian species, suggesting that this missense change does not adversely affect protein function. These predictions have not been confirmed by published functional studies and their clinical significance is uncertain. In summary, the available evidence is currently insufficient to determine the role of this variant in disease. Therefore, it has been classified as a Variant of Uncertain Significance.